The following is an entry in ClinVar:

NM_016247.4(IMPG2):c.2762_2764del (p.Ser921del)

Gene: IMPG2 (interphotoreceptor matrix proteoglycan 2; minus strand). Cytogenetic location: 3q12.3.
Variant type: Deletion.
Coding change: c.2762_2764del on transcript NM_016247.4 (MANE Select); coding-DNA positions 2762 to 2764, 3 bases deleted (CCT; older notation c.2762_2764delCCT).
Protein change: p.Ser921del; deletes serine 921.
Molecular consequence: inframe deletion.
Genome position (GRCh38, 1-based): chr3:101,243,567-101,243,569, AGG deleted on the plus strand (CCT on the coding strand, the reverse complement: IMPG2 is on the minus strand); deleting any 3 consecutive bases within chr3:101,243,567-101,243,571 gives the same sequence; the c. name uses the placement nearest the transcript's 3' end. VCF-style (leftmost placement, unchanged base first): chr3-101243566-AAGG-A. GRCh37 (hg19) VCF-style: chr3-100962410-AAGG-A.
Other names: short protein forms S921del.
Identifiers: ClinVar variation 857278 (VCV000857278.8), dbSNP rs1706433288, ClinGen allele CA916082587.

ClinVar aggregate classification (germline): Uncertain significance (1 of 4 stars; one submission).

Submission:

Labcorp Genetics (formerly Invitae), Labcorp
Classification: Uncertain significance. Last evaluated: 2019-12-24. Review status: criteria provided, single submitter. Criteria: Invitae Variant Classification Sherloc (09022015). Collection method: clinical testing. Allele origin: germline.
Comment: In summary, the available evidence is currently insufficient to determine the role of this variant in disease. Therefore, it has been classified as a Variant of Uncertain Significance. Experimental studies and prediction algorithms are not available or were not evaluated, and the functional significance of this variant is currently unknown. This variant has not been reported in the literature in individuals with IMPG2-related conditions. This variant is not present in population databases (ExAC no frequency). This variant, c.2762_2764del, results in the deletion of 1 amino acid(s) of the IMPG2 protein (p.Ser921del), but otherwise preserves the integrity of the reading frame.